The following is an entry in ClinVar:

NM_001004334.4(GPR179):c.6383C>T (p.Ala2128Val)

Gene: GPR179 (G protein-coupled receptor 179; minus strand). Cytogenetic location: 17q12.
Variant type: single nucleotide variant.
Coding change: c.6383C>T on transcript NM_001004334.4 (MANE Select); coding-DNA position 6383, C replaced by T.
Protein change: p.Ala2128Val; replaces alanine 2128 with valine.
Molecular consequence: missense variant.
Genome position (GRCh38, 1-based): chr17:38,327,186, G>A on the plus strand (C>T on the coding strand, the complement: GPR179 is on the minus strand). VCF-style: chr17-38327186-G-A. GRCh37 (hg19) VCF-style: chr17-36483069-G-A.
Other names: c.6383C>T (NM_001004334.2); short protein forms A2128V.
Identifiers: ClinVar variation 1916509 (VCV001916509.4), dbSNP rs763507736, ClinGen allele CA290102971.
Genomic context (GRCh38, chr17:38,327,186, plus strand): 5'-TCTCTTTCCTGTTCCCCTTCCTCTGCTGCTCCTCCACCCGCCTCCCAAGGGCAGATCTCT[G>A]CTTTCTTGGCAGAGGGAGCCTCTACCACTTCCCACAGACACACTTCCGCTACCCTGGTCT-3'
Protein context (NP_001004334.3, residues 2118-2138): EVVEAPSAKK[Ala2128Val]EICPWEAGGG

ClinVar aggregate classification (germline): Uncertain significance. Review status: criteria provided, multiple submitters, no conflicts (2 of 4 stars). 2 submissions from 2 submitters: Uncertain significance (2). Last evaluated 2025-11-13.

Conditions:
Inborn genetic diseases. Identifiers: MedGen C0950123, MeSH D030342.

Allele frequency attached by ClinVar (database versions not stated): ExAC 0.00001; gnomAD exomes 0.00001; TOPMed 0.00001.

Submissions (2):

Ambry Genetics
Classification: Uncertain significance for Inborn genetic diseases. Last evaluated: 2025-11-13. Review status: criteria provided, single submitter. Criteria: Ambry Variant Classification Scheme 2023. Collection method: clinical testing. Allele origin: germline.

Labcorp Genetics (formerly Invitae), Labcorp
Classification: Uncertain significance. Last evaluated: 2023-12-27. Review status: criteria provided, single submitter. Criteria: Invitae Variant Classification Sherloc (09022015). Collection method: clinical testing. Allele origin: germline.
Comment: This sequence change replaces alanine, which is neutral and non-polar, with valine, which is neutral and non-polar, at codon 2128 of the GPR179 protein (p.Ala2128Val). This variant is present in population databases (rs763507736, gnomAD 0.006%). This variant has not been reported in the literature in individuals affected with GPR179-related conditions. ClinVar contains an entry for this variant (Variation ID: 1916509). Algorithms developed to predict the effect of missense changes on protein structure and function output the following: SIFT: "Not Available"; PolyPhen-2: "Benign"; Align-GVGD: "Not Available". The valine amino acid residue is found in multiple mammalian species, which suggests that this missense change does not adversely affect protein function. In summary, the available evidence is currently insufficient to determine the role of this variant in disease. Therefore, it has been classified as a Variant of Uncertain Significance.